The following is an entry in ClinVar:

NM_000179.3(MSH6):c.1458dup (p.Glu487Ter)

Gene: MSH6 (mutS homolog 6; plus strand). Cytogenetic location: 2p16.3.
Variant type: Duplication.
Coding change: c.1458dup on transcript NM_000179.3 (MANE Select); coding-DNA position 1458, one base duplicated (T; older notation c.1458dupT).
Protein change: p.Glu487Ter; replaces glutamic acid 487 with a stop codon.
Molecular consequence: nonsense. On other transcripts: non-coding transcript variant (4), intron variant (1).
Genome position (GRCh38, 1-based): chr2:47,799,441, T duplicated. VCF-style (leftmost placement, unchanged base first): chr2-47799440-C-CT. GRCh37 (hg19) VCF-style: chr2-48026579-C-CT.
Other names: c.1068dup, p.Glu357Ter (NM_001281492.2); c.552dup, p.Glu185Ter (NM_001281493.2, NM_001281494.2, NM_001406811.1 and 6 more transcripts); c.1554dup, p.Glu519Ter (NM_001406795.1, NM_001406802.1); c.1458dup, p.Glu487Ter (NM_001406796.1, NM_001406798.1, NM_001406800.1 and 4 more transcripts); c.1161dup, p.Glu388Ter (NM_001406797.1, NM_001406801.1, NM_001406805.1 and 10 more transcripts); c.933dup, p.Glu312Ter (NM_001406799.1, NM_001406806.1, NM_001406807.1); c.1380dup, p.Glu461Ter (NM_001406804.1); c.1464dup, p.Glu489Ter (NM_001406813.1); and 2 more; short protein forms E489*, E185*, E312*, E357*, E519*, E388*, E431*, E461*.
Identifiers: ClinVar variation 2773639 (VCV002773639.3), dbSNP rs2530610945, ClinGen allele CA2586969254.
Genomic context (GRCh38, chr2:47,799,440, plus strand): 5'-TTGGCCGTTATTCAGATTCCCTGGTGCAGAAGGGCTATAAAGTAGCACGAGTGGAACAGA[C>CT]TGAGACTCCAGAAATGATGGAGGCACGATGTAGAAAGATGGCACATATATCCAAGTATGA-3'

ClinVar aggregate classification (germline): Pathogenic. Review status: criteria provided, multiple submitters, no conflicts (2 of 4 stars). 2 submissions from 2 submitters: Pathogenic (2). Last evaluated 2024-09-12.

Conditions:
Hereditary cancer-predisposing syndrome. Also called: Hereditary neoplastic syndrome; Hereditary Cancer Syndrome; Neoplastic Syndromes, Hereditary; Tumor predisposition. Identifiers: Orphanet 140162, MedGen C0027672, MeSH D009386, MONDO:0015356.

Submissions (2):

Hereditary Cancer Laboratory, Hospital Universitario 12 de Octubre
Classification: Pathogenic for Hereditary cancer-predisposing syndrome. Last evaluated: 2024-09-12. Review status: criteria provided, single submitter. Criteria: ACMG Guidelines, 2015. Collection method: clinical testing. Allele origin: germline.
Comment: PVS1+PM2

Color Diagnostics, LLC DBA Color Health
Classification: Pathogenic for Hereditary cancer-predisposing syndrome. Last evaluated: 2021-12-20. Review status: criteria provided, single submitter. Criteria: ACMG Guidelines, 2015. Collection method: clinical testing. Allele origin: germline.
Comment: This variant inserts 1 nucleotide in exon 4 of the MSH6 gene, creating a frameshift and premature translation stop signal. This variant is expected to result in an absent or non-functional protein product. To our knowledge, this variant has not been reported in individuals affected with hereditary cancer in the literature. This variant has not been identified in the general population by the Genome Aggregation Database (gnomAD). Loss of MSH6 function is a known mechanism of disease. Based on the available evidence, this variant is classified as Pathogenic.